The following is an entry in ClinVar:

NM_015338.6(ASXL1):c.3437C>G (p.Ser1146Trp)

Gene: ASXL1 (ASXL transcriptional regulator 1; plus strand). Cytogenetic location: 20q11.21.
Variant type: single nucleotide variant.
Coding change: c.3437C>G on transcript NM_015338.6 (MANE Select); coding-DNA position 3437, C replaced by G.
Protein change: p.Ser1146Trp; replaces serine 1146 with tryptophan.
Molecular consequence: missense variant.
Genome position (GRCh38, 1-based): chr20:32,436,149, C>G. VCF-style: chr20-32436149-C-G. GRCh37 (hg19) VCF-style: chr20-31023952-C-G.
Other names: c.3254C>G, p.Ser1085Trp (NM_001363734.1); short protein forms S1085W, S1146W.
Identifiers: ClinVar variation 4588643 (VCV004588643.1).

ClinVar aggregate classification (germline): Uncertain significance (1 of 4 stars; one submission).

Conditions:
Inborn genetic diseases. Identifiers: MedGen C0950123, MeSH D030342.

Submission:

Ambry Genetics
Classification: Uncertain significance for Inborn genetic diseases. Last evaluated: 2025-11-17. Review status: criteria provided, single submitter. Criteria: Ambry Variant Classification Scheme 2023. Collection method: clinical testing. Allele origin: germline.
Comment: The p.S1146W variant (also known as c.3437C>G), located in coding exon 13 of the ASXL1 gene, results from a C to G substitution at nucleotide position 3437. The serine at codon 1146 is replaced by tryptophan, an amino acid with highly dissimilar properties. This amino acid position is conserved. In addition, this alteration is predicted to be tolerated by in silico analysis. Based on the available evidence, the clinical significance of this variant remains unclear.